The following is an entry in ClinVar:

ClinVar aggregate classification (germline): Uncertain significance (1 of 4 stars; one submission).

Conditions:
Koolen-de Vries syndrome (KDVS). Identifiers: Orphanet 96169, MedGen C1864871, MONDO:0012496, OMIM 610443.

Allele frequency attached by ClinVar (database versions not stated): gnomAD exomes below 0.00001.
gnomAD v4.1: 2 of 1,612,170 alleles (0.00012%); highest among the groups gnomAD compares: Admixed American, 0.0017%; no homozygotes.

Submission:

Labcorp Genetics (formerly Invitae), Labcorp
Classification: Uncertain significance for Koolen-de Vries syndrome. Last evaluated: 2024-10-28. Review status: criteria provided, single submitter. Criteria: Invitae Variant Classification Sherloc (09022015). Collection method: clinical testing. Allele origin: germline.
Comment: This sequence change replaces glycine, which is neutral and non-polar, with alanine, which is neutral and non-polar, at codon 986 of the KANSL1 protein (p.Gly986Ala). This variant is not present in population databases (gnomAD no frequency). This variant has not been reported in the literature in individuals affected with KANSL1-related conditions. ClinVar contains an entry for this variant (Variation ID: 2197401). Invitae Evidence Modeling of protein sequence and biophysical properties (such as structural, functional, and spatial information, amino acid conservation, physicochemical variation, residue mobility, and thermodynamic stability) indicates that this missense variant is not expected to disrupt KANSL1 protein function with a negative predictive value of 80%. In summary, the available evidence is currently insufficient to determine the role of this variant in disease. Therefore, it has been classified as a Variant of Uncertain Significance.

NM_015443.4(KANSL1):c.2957G>C (p.Gly986Ala)

Gene: KANSL1 (KAT8 regulatory NSL complex subunit 1). Cytogenetic location: 17q21.31.
Variant type: single nucleotide variant.
Coding change: c.2957G>C on transcript NM_015443.4 (MANE Select); coding-DNA position 2957, G replaced by C.
Protein change: p.Gly986Ala; replaces glycine 986 with alanine.
Molecular consequence: missense variant.
Genome position (GRCh38, 1-based): chr17:46,032,180, C>G on the plus strand (G>C on the coding strand, the complement: KANSL1 is on the minus strand). VCF-style: chr17-46032180-C-G. GRCh37 (hg19) VCF-style: chr17-44109546-C-G.
Other names: c.2954G>C, p.Gly985Ala (NM_001193465.2, NM_001405856.1, NM_001405857.1 and 1 more transcripts); c.2957G>C, p.Gly986Ala (NM_001193466.2, NM_001379198.1, NM_001405854.1 and 1 more transcripts); c.2855G>C, p.Gly952Ala (NM_001405859.1, NM_001405860.1); c.1502G>C, p.Gly501Ala (NM_001405884.1); c.1499G>C, p.Gly500Ala (NM_001405885.1); c.2852G>C, p.Gly951Ala (NM_001405861.1); c.2768G>C, p.Gly923Ala (NM_001405875.1, NM_001405876.1, NM_001405877.1 and 1 more transcripts); c.2765G>C, p.Gly922Ala (NM_001405879.1, NM_001405880.1); and 2 more; short protein forms G564A, G951A, G986A, G500A, G923A, G952A, G985A, G563A.
Identifiers: ClinVar variation 2197401 (VCV002197401.4), dbSNP rs905710793, ClinGen allele CA291125908.